The following is an entry in ClinVar:

NM_032043.3(BRIP1):c.1219A>G (p.Ser407Gly)

Gene: BRIP1 (BRCA1 interacting DNA helicase 1; minus strand). Cytogenetic location: 17q23.2.
Variant type: single nucleotide variant.
Coding change: c.1219A>G on transcript NM_032043.3 (MANE Select); coding-DNA position 1219, A replaced by G.
Protein change: p.Ser407Gly; replaces serine 407 with glycine.
Molecular consequence: missense variant.
Genome position (GRCh38, 1-based): chr17:61,799,221, T>C on the plus strand (A>G on the coding strand, the complement: BRIP1 is on the minus strand). VCF-style: chr17-61799221-T-C. GRCh37 (hg19) VCF-style: chr17-59876582-T-C.
Other names: short protein forms S407G.
Identifiers: ClinVar variation 461065 (VCV000461065.22), dbSNP rs1555607156, ClinGen allele CA400483670.

ClinVar aggregate classification (germline): Uncertain significance. Review status: criteria provided, multiple submitters, no conflicts (2 of 4 stars). 5 submissions from 5 submitters: Uncertain significance (5). Last evaluated 2024-08-01.

Conditions:
Hereditary cancer-predisposing syndrome. Also called: Hereditary neoplastic syndrome; Neoplastic Syndromes, Hereditary; Tumor predisposition; Hereditary Cancer Syndrome. Identifiers: Orphanet 140162, MedGen C0027672, MeSH D009386, MONDO:0015356.
Fanconi anemia complementation group J. Also called: BRIP1-Related Fanconi Anemia. Identifiers: Orphanet 84, MedGen C1836860, MONDO:0012187, OMIM 609054.
Familial cancer of breast. Also called: BREAST CANCER, FAMILIAL; hereditary breast carcinoma; Hereditary breast cancer. Identifiers: Orphanet 227535, MedGen C0346153, MONDO:0016419, OMIM 114480. Disease mechanism: loss of function.

Allele frequency attached by ClinVar (database versions not stated): TOPMed below 0.00001.

Submissions (5):

Labcorp Genetics (formerly Invitae), Labcorp
Classification: Uncertain significance for Familial cancer of breast; Fanconi anemia complementation group J. Last evaluated: 2024-08-01. Review status: criteria provided, single submitter. Criteria: Invitae Variant Classification Sherloc (09022015). Collection method: clinical testing. Allele origin: germline.
Comment: This sequence change replaces serine, which is neutral and polar, with glycine, which is neutral and non-polar, at codon 407 of the BRIP1 protein (p.Ser407Gly). This variant is not present in population databases (gnomAD no frequency). This missense change has been observed in individual(s) with breast cancer (PMID: 31822495). ClinVar contains an entry for this variant (Variation ID: 461065). Advanced modeling of protein sequence and biophysical properties (such as structural, functional, and spatial information, amino acid conservation, physicochemical variation, residue mobility, and thermodynamic stability) performed at Invitae indicates that this missense variant is expected to disrupt BRIP1 protein function with a positive predictive value of 80%. Experimental studies have shown that this missense change does not substantially affect BRIP1 function (PMID: 31822495). RNA analysis performed to evaluate the impact of this missense change on mRNA splicing indicates it does not significantly alter splicing (Invitae). In summary, the available evidence is currently insufficient to determine the role of this variant in disease. Therefore, it has been classified as a Variant of Uncertain Significance.

Ambry Genetics
Classification: Uncertain significance for Hereditary cancer-predisposing syndrome. Last evaluated: 2024-06-21. Review status: criteria provided, single submitter. Criteria: Ambry Variant Classification Scheme 2023. Collection method: clinical testing. Allele origin: germline.
Comment: The p.S407G variant (also known as c.1219A>G), located in coding exon 8 of the BRIP1 gene, results from an A to G substitution at nucleotide position 1219. The serine at codon 407 is replaced by glycine, an amino acid with similar properties. In one study, this alteration was detected in 1/2160 early-onset breast cancer cases and 0/1,199 ovarian cancer cases (Moyer CL et al. Cancer Res. 2020 Feb;80:857-867). This amino acid position is highly conserved in available vertebrate species. In addition, the in silico prediction for this alteration is inconclusive. Since supporting evidence is limited at this time, the clinical significance of this alteration remains unclear.

Color Diagnostics, LLC DBA Color Health
Classification: Uncertain significance for Hereditary cancer-predisposing syndrome. Last evaluated: 2024-03-20. Review status: criteria provided, single submitter. Criteria: ACMG Guidelines, 2015. Collection method: clinical testing. Allele origin: germline.
Comment: This missense variant replaces serine with glycine at codon 407 of the BRIP1 protein. Computational prediction is inconclusive regarding the impact of this variant on protein structure and function). Functional studies have shown that this variant did not impact function in rescue assays and resulted in protein half-life comparable to wild-type (PMID: 31822495). This variant has been reported in an individual affected with breast cancer (PMID: 31822495). This variant has not been identified in the general population by the Genome Aggregation Database (gnomAD). The available evidence is insufficient to determine the role of this variant in disease conclusively. Therefore, this variant is classified as a Variant of Uncertain Significance.

Baylor Genetics
Classification: Uncertain significance for Familial cancer of breast. Last evaluated: 2024-02-06. Review status: criteria provided, single submitter. Criteria: ACMG Guidelines, 2015. Collection method: clinical testing. Allele origin: unknown.

Fulgent Genetics
Classification: Uncertain significance for Familial cancer of breast; Fanconi anemia complementation group J. Last evaluated: 2022-04-16. Review status: criteria provided, single submitter. Criteria: ACMG Guidelines, 2015. Collection method: clinical testing. Allele origin: unknown.

Literature cited by the submitters: PubMed 31822495 (cited by 3 submitters).